The following is an entry in ClinVar:

ClinVar aggregate classification (germline): Uncertain significance (1 of 4 stars; one submission).

Submission:

Ambry Genetics
Classification: Uncertain significance. Last evaluated: 2024-03-18. Review status: criteria provided, single submitter. Criteria: Ambry Variant Classification Scheme 2023. Collection method: clinical testing. Allele origin: germline.
Comment: The p.Q889R variant (also known as c.2666A>G), located in coding exon 16 of the POLQ gene, results from an A to G substitution at nucleotide position 2666. The glutamine at codon 889 is replaced by arginine, an amino acid with highly similar properties. This amino acid position is conserved. In addition, this alteration is predicted to be tolerated by in silico analysis. Based on the available evidence, the clinical significance of this alteration remains unclear.

NM_199420.4(POLQ):c.2666A>G (p.Gln889Arg)

Gene: POLQ (DNA polymerase theta; minus strand). Cytogenetic location: 3q13.33.
Variant type: single nucleotide variant.
Coding change: c.2666A>G on transcript NM_199420.4 (MANE Select); coding-DNA position 2666, A replaced by G.
Protein change: p.Gln889Arg; replaces glutamine 889 with arginine.
Molecular consequence: missense variant.
Genome position (GRCh38, 1-based): chr3:121,490,265, T>C on the plus strand (A>G on the coding strand, the complement: POLQ is on the minus strand). VCF-style: chr3-121490265-T-C. GRCh37 (hg19) VCF-style: chr3-121209112-T-C.
Other names: short protein forms Q889R.
Identifiers: ClinVar variation 3308585 (VCV003308585.1).
Genomic context (GRCh38, chr3:121,490,265, plus strand): 5'-CATGTACTAGAATGTAACAGGGCACATGGATTCCATTGCACTCCCATTTCAACTAAGTCC[T>C]GCTGCAGAATCATTCTGGCTTCTTCCACTATAAGGGCTGCTGCTTCCCTTTCAGTTAAAC-3'
Protein context (NP_955452.3, residues 879-899): IVEEARMILQ[Gln889Arg]DLVEMGVQWN